The following is an entry in ClinVar:

NM_001042492.3(NF1):c.7148del (p.Asn2383fs)

Gene: NF1 (neurofibromin 1; plus strand). Cytogenetic location: 17q11.2.
Variant type: Deletion.
Coding change: c.7148del on transcript NM_001042492.3 (MANE Select); coding-DNA position 7148, one base deleted (A; older notation c.7148delA).
Protein change: p.Asn2383fs; shifts the reading frame from asparagine 2383.
Molecular consequence: frameshift variant.
Genome position (GRCh38, 1-based): chr17:31,343,094, A deleted; the last of 2 consecutive A bases (chr17:31,343,093-31,343,094); deleting either gives the same sequence. VCF-style (leftmost placement, unchanged base first): chr17-31343092-CA-C. GRCh37 (hg19) VCF-style: chr17-29670110-CA-C.
Other names: c.7085delA, p.Asn2362Thrfs (NM_000267.4); short protein forms N2383fs, N2362fs.
Identifiers: ClinVar variation 2736578 (VCV002736578.3), dbSNP rs2508780018, ClinGen allele CA2695225449.

ClinVar aggregate classification (germline): Pathogenic (1 of 4 stars; one submission).

Conditions:
Neurofibromatosis, type 1 (NF1). Also called: Neurofibromatosis, type I; Peripheral type neurofibromatosis; VON RECKLINGHAUSEN DISEASE; NEUROFIBROMATOSIS, TYPE I, SOMATIC. Identifiers: Orphanet 636, MedGen C0027831, MONDO:0018975, OMIM 162200. Disease mechanism: loss of function.

Submission:

Labcorp Genetics (formerly Invitae), Labcorp
Classification: Pathogenic for Neurofibromatosis, type 1. Last evaluated: 2022-12-12. Review status: criteria provided, single submitter. Criteria: Invitae Variant Classification Sherloc (09022015). Collection method: clinical testing. Allele origin: germline.
Comment: For these reasons, this variant has been classified as Pathogenic. This premature translational stop signal has been observed in individual(s) with clinical features of NF1-related conditions (PMID: 23758643). This variant is not present in population databases (gnomAD no frequency). This sequence change creates a premature translational stop signal (p.Asn2362Thrfs*13) in the NF1 gene. It is expected to result in an absent or disrupted protein product. Loss-of-function variants in NF1 are known to be pathogenic (PMID: 10712197, 23913538).

Literature cited by the submitters: PubMed 23758643; PubMed 10712197; PubMed 23913538.